The following is an entry in ClinVar:

ClinVar aggregate classification (germline): Likely pathogenic (1 of 4 stars; one submission).

Conditions:
Spastic ataxia 2. Also called: Ataxia, spastic, 2, autosomal recessive. Identifiers: Orphanet 397946, MedGen C1969796, MONDO:0012651, OMIM 611302.

Submission:

Women's Health and Genetics/Laboratory Corporation of America, LabCorp
Classification: Likely pathogenic for Spastic ataxia 2. Last evaluated: 2024-09-24. Review status: criteria provided, single submitter. Criteria: LabCorp Variant Classification Summary - May 2015. Collection method: clinical testing. Allele origin: germline.
Comment: Variant summary: KIF1C c.1166-2A>T is located in a canonical splice-site and is predicted to affect mRNA splicing resulting in a significantly altered protein due to either exon skipping, shortening, or inclusion of intronic material. Variants that disrupt the consensus splice site are a relatively common cause of aberrant splicing and loss of KIF1C function. Several computational tools predict a significant impact on normal splicing: Four predict the variant abolishes a 3' acceptor site. Three predict the variant creates a 3' acceptor site. However, these predictions have yet to be confirmed by functional studies. The variant was absent in 247962 control chromosomes. To our knowledge, no occurrence of c.1166-2A>T in individuals affected with Spastic Ataxia 2 and no experimental evidence demonstrating its impact on protein function have been reported. No submitters have cited clinical-significance assessments for this variant to ClinVar. Based on the evidence outlined above, the variant was classified as likely pathogenic.

NM_006612.6(KIF1C):c.1166-2A>T

Gene: KIF1C (kinesin family member 1C; plus strand). Cytogenetic location: 17p13.2.
Variant type: single nucleotide variant.
Coding change: c.1166-2A>T on transcript NM_006612.6 (MANE Select); the canonical splice acceptor site of the intron before coding-DNA position 1166, A replaced by T.
Molecular consequence: splice acceptor variant.
Genome position (GRCh38, 1-based): chr17:5,006,913, A>T. VCF-style: chr17-5006913-A-T. GRCh37 (hg19) VCF-style: chr17-4910208-A-T.
Identifiers: ClinVar variation 3375268 (VCV003375268.1).
Genomic context (GRCh38, chr17:5,006,913, plus strand): 5'-GATGTCTCTCATCAGCTCCTTCTTTCCTTAGCCTCATTCTTTTTCCTCTTTCTCCCTCCC[A>T]GGCCTGAAGACGGAAGAAGGGAGTGTCAGAGGCGCCCTGCCAGCTGTGTCATCTCCCCCA-3'